The following is an entry in ClinVar:

NM_000048.4(ASL):c.221G>A (p.Trp74Ter)

Gene: ASL (argininosuccinate lyase; plus strand). Cytogenetic location: 7q11.21.
Variant type: single nucleotide variant.
Coding change: c.221G>A on transcript NM_000048.4 (MANE Select); coding-DNA position 221, G replaced by A.
Protein change: p.Trp74Ter; replaces tryptophan 74 with a stop codon.
Molecular consequence: nonsense.
Genome position (GRCh38, 1-based): chr7:66,082,381, G>A. VCF-style: chr7-66082381-G-A. GRCh37 (hg19) VCF-style: chr7-65547368-G-A.
Other names: c.221G>A, p.Trp74Ter (NM_001024943.2, NM_001024944.2, NM_001024946.2); short protein forms W74*.
Identifiers: ClinVar variation 1075343 (VCV001075343.8), dbSNP rs2115694416, ClinGen allele CA367638784.

ClinVar aggregate classification (germline): Pathogenic (1 of 4 stars; one submission).

Conditions:
Argininosuccinate lyase deficiency. Also called: ARGININOSUCCINIC ACID LYASE DEFICIENCY; ASL DEFICIENCY; Argininosuccinic aciduria. Identifiers: Orphanet 23, MedGen C0268547, MONDO:0008815, OMIM 207900, HP:0025630.

Submission:

Labcorp Genetics (formerly Invitae), Labcorp
Classification: Pathogenic for Argininosuccinate lyase deficiency. Last evaluated: 2020-08-03. Review status: criteria provided, single submitter. Criteria: Invitae Variant Classification Sherloc (09022015). Collection method: clinical testing. Allele origin: germline.
Comment: This variant is not present in population databases (ExAC no frequency). This sequence change creates a premature translational stop signal (p.Trp74*) in the ASL gene. It is expected to result in an absent or disrupted protein product. This variant has not been reported in the literature in individuals with ASL-related conditions. For these reasons, this variant has been classified as Pathogenic. Loss-of-function variants in ASL are known to be pathogenic (PMID: 2263616, 24166829).

Literature cited by the submitters: PubMed 2263616; PubMed 24166829.